The following is an entry in ClinVar:

NC_000008.11:g.(?_99096292)_(99193077_?)del

Gene: VPS13B (vacuolar protein sorting 13 homolog B; plus strand). Cytogenetic location: 8q22.2.
Variant type: Deletion.
Identifiers: ClinVar variation 583528 (VCV000583528.1).

ClinVar aggregate classification (germline): Pathogenic (1 of 4 stars; one submission).

Conditions:
Cohen syndrome (COH1). Also called: PEPPER SYNDROME; Cutis verticis gyrata, retinitis pigmentosa, and sensorineural deafness. Identifiers: Orphanet 193, MedGen C0265223, MONDO:0008999, OMIM 216550.

Submission:

Labcorp Genetics (formerly Invitae), Labcorp
Classification: Pathogenic for Cohen syndrome. Last evaluated: 2018-05-17. Review status: criteria provided, single submitter. Criteria: Invitae Variant Classification Sherloc (09022015). Collection method: clinical testing. Allele origin: germline.
Comment: This variant is an in-frame deletion of the genomic region encompassing exons 4-33 of the VPS13B gene. It preserves the integrity of the reading frame. Deletion of exons 4-33 has not been reported in the literature in individuals with VPS13B-related disease. Smaller in-frame deletions encompassed by this variant (deletion of exons 20-21 or exons 18-21) have been reported in individuals affected with Cohen syndrome (PMID: 15141358, 16648375). For these reasons, this variant has been classified as Pathogenic.

Literature cited by the submitters: PubMed 15141358; PubMed 16648375.